The following is an entry in ClinVar:

ClinVar aggregate classification (germline): Pathogenic (1 of 4 stars; one submission).

Conditions:
Neuromuscular disease caused by qualitative or quantitative defects of dystrophin. Also called: Qualitative or quantitative defects of dystrophin. Identifiers: Orphanet 207085, MedGen C5679787, MONDO:0016147.

Submission:

Women's Health and Genetics/Laboratory Corporation of America, LabCorp
Classification: Pathogenic for Neuromuscular disease caused by qualitative or quantitative defects of dystrophin. Last evaluated: 2022-05-19. Review status: criteria provided, single submitter. Criteria: LabCorp Variant Classification Summary - May 2015. Collection method: clinical testing. Allele origin: germline.
Comment: Variant summary: The variant identified by MLPA or other technology involves the deletion of exons 51-52 in the DMD gene. A presumed nomenclature of c.(7309+1_7310-1)_(7660+1_7661-1)del has been designated for the purposes of this classification. Although exact breakpoints of this deletion are not known, it is expected to result in a large in-frame deletion in the DMD gene. The variant was absent in 16120 control chromosomes (gnomAD Structural Variants Dataset). c.(7309+1_7310-1)_(7660+1_7661-1)del has been reported in the literature in individuals affected with Dystrophinopathies (e.g. Pillers_1999, Taylor_2007, Basumatary_2013). These data indicate that the variant is likely to be associated with disease. To our knowledge, no experimental evidence demonstrating an impact on protein function has been reported. One ClinVar submitter has assessed the variant deletion since 2014: the variant was classified as pathogenic. Based on the evidence outlined above, the variant was classified as pathogenic.

Literature cited by the submitters: PubMed 23914114; PubMed 10480348; PubMed 17259292.

NC_000023.11:g.(31679587_31729630)_(31774193_31819974)del

Gene: DMD (dystrophin; minus strand). Cytogenetic location: Xp21.1.
Variant type: Deletion.
Identifiers: ClinVar variation 981995 (VCV000981995.2).